The following is an entry in ClinVar:

NM_006947.4(SRP72):c.255A>G (p.Ala85=)

Gene: SRP72 (signal recognition particle 72; plus strand). Cytogenetic location: 4q12.
Variant type: single nucleotide variant.
Coding change: c.255A>G on transcript NM_006947.4 (MANE Select); coding-DNA position 255, A replaced by G.
Protein change: p.Ala85=; no amino-acid change (alanine 85 retained).
Molecular consequence: synonymous variant. On other transcripts: non-coding transcript variant (1).
Genome position (GRCh38, 1-based): chr4:56,471,744, A>G. VCF-style: chr4-56471744-A-G. GRCh37 (hg19) VCF-style: chr4-57337910-A-G.
Other names: c.255A>G, p.Ala85= (NM_001267722.2); c.255A>G (NM_006947.3).
Identifiers: ClinVar variation 2056601 (VCV002056601.7), dbSNP rs907758417, ClinGen allele CA97585700.

ClinVar aggregate classification (germline): Likely benign. Review status: criteria provided, multiple submitters, no conflicts (2 of 4 stars). 3 submissions from 3 submitters: Likely benign (2). 1 of the submissions does not count toward it. Last evaluated 2024-12-08.

Conditions:
SRP72-related disorder. Also called: SRP72-related condition.

Allele frequency attached by ClinVar (database versions not stated): gnomAD 0.00001; TOPMed 0.00002.
gnomAD v4.1: 10 of 1,613,712 alleles (0.00062%); highest among the groups gnomAD compares: Middle Eastern, 0.016%; no homozygotes.

Submissions (3):

Ambry Genetics
Classification: Likely benign. Last evaluated: 2024-12-08. Review status: criteria provided, single submitter. Criteria: Ambry Variant Classification Scheme 2023. Collection method: clinical testing. Allele origin: germline.

Labcorp Genetics (formerly Invitae), Labcorp
Classification: Likely benign. Last evaluated: 2023-02-11. Review status: criteria provided, single submitter. Criteria: Invitae Variant Classification Sherloc (09022015). Collection method: clinical testing. Allele origin: germline.

PreventionGenetics, part of Exact Sciences
Classification: Likely benign for SRP72-related condition. Last evaluated: 2022-11-04. Review status: no assertion criteria provided. Collection method: clinical testing. Allele origin: germline. Not counted in ClinVar's aggregate classification.
Comment: This variant is classified as likely benign based on ACMG/AMP sequence variant interpretation guidelines (Richards et al. 2015 PMID: 25741868, with internal and published modifications).